The following is an entry in ClinVar:

NM_001376.5(DYNC1H1):c.805G>A (p.Gly269Arg)

Gene: DYNC1H1 (dynein cytoplasmic 1 heavy chain 1; plus strand). Cytogenetic location: 14q32.31.
Variant type: single nucleotide variant.
Coding change: c.805G>A on transcript NM_001376.5 (MANE Select); coding-DNA position 805, G replaced by A.
Protein change: p.Gly269Arg; replaces glycine 269 with arginine.
Molecular consequence: missense variant.
Genome position (GRCh38, 1-based): chr14:101,980,394, G>A. VCF-style: chr14-101980394-G-A. GRCh37 (hg19) VCF-style: chr14-102446731-G-A.
Other names: short protein forms G269R.
Identifiers: ClinVar variation 1312786 (VCV001312786.4), dbSNP rs2141270151, ClinGen allele CA391009585.
Genomic context (GRCh38, chr14:101,980,394, plus strand): 5'-ATACCCTTGGGTGTTATTTTATTTTCAAAGGTGACCAAACTGGATCGAGATCCTGCATCA[G>A]GAACTGCCTTACAGGAAATTAGTTTTTGGCTAAACTTGGAACGTGCGTTATACCGCATCC-3'
Protein context (NP_001367.2, residues 259-279): VTKLDRDPAS[Gly269Arg]TALQEISFWL

ClinVar aggregate classification (germline): Uncertain significance (1 of 4 stars; one submission).

Submission:

GeneDx
Classification: Uncertain significance. Last evaluated: 2026-08-26. Review status: criteria provided, single submitter. Criteria: GeneDx Variant Classification Process June 2021. Collection method: clinical testing. Allele origin: germline.
Comment: Not observed at significant frequency in large population cohorts (gnomAD); In silico analysis supports that this missense variant has a deleterious effect on protein structure/function; Has not been previously published as pathogenic or benign to our knowledge; This variant is associated with the following publications: (PMID: 25512093, 25609763, 26100331)